The following is an entry in ClinVar:

ClinVar aggregate classification (germline): Uncertain significance (1 of 4 stars; one submission).

Allele frequency attached by ClinVar (database versions not stated): TOPMed 0.00002; gnomAD exomes below 0.00001; gnomAD 0.00001.
gnomAD v4.1: 4 of 1,611,918 alleles (0.00025%); highest among the groups gnomAD compares: South Asian, 0.0011%; no homozygotes.

Submission:

GeneDx
Classification: Uncertain significance. Last evaluated: 2020-10-14. Review status: criteria provided, single submitter. Criteria: GeneDx Variant Classification Process June 2021. Collection method: clinical testing. Allele origin: germline. Affected: yes.
Comment: Not observed in large population cohorts (Lek et al., 2016); In silico analysis supports that this missense variant has a deleterious effect on protein structure/function; Has not been previously published as pathogenic or benign to our knowledge

NM_001378414.1(HDAC4):c.1918G>A (p.Ala640Thr)

Gene: HDAC4 (histone deacetylase 4; minus strand). Cytogenetic location: 2q37.3.
Variant type: single nucleotide variant.
Coding change: c.1918G>A on transcript NM_001378414.1 (MANE Select); coding-DNA position 1918, G replaced by A.
Protein change: p.Ala640Thr; replaces alanine 640 with threonine.
Molecular consequence: missense variant.
Genome position (GRCh38, 1-based): chr2:239,111,586, C>T on the plus strand (G>A on the coding strand, the complement: HDAC4 is on the minus strand). VCF-style: chr2-239111586-C-T. GRCh37 (hg19) VCF-style: chr2-240033282-C-T.
Other names: c.1918G>A, p.Ala640Thr (NM_001378415.1); c.1903G>A, p.Ala635Thr (NM_001378416.1, NM_001378417.1, NM_006037.4); short protein forms A635T, A640T.
Identifiers: ClinVar variation 1304225 (VCV001304225.2), dbSNP rs1192025699, ClinGen allele CA351268254.